The following is an entry in ClinVar:

NM_213607.3(DNAAF19):c.530C>T (p.Thr177Ile)

Gene: DNAAF19 (dynein axonemal assembly factor 19; plus strand). Cytogenetic location: 17q21.31.
Variant type: single nucleotide variant.
Coding change: c.530C>T on transcript NM_213607.3 (MANE Select); coding-DNA position 530, C replaced by T.
Protein change: p.Thr177Ile; replaces threonine 177 with isoleucine.
Molecular consequence: missense variant. On other transcripts: 3 prime UTR variant (3).
Genome position (GRCh38, 1-based): chr17:44,902,618, C>T. VCF-style: chr17-44902618-C-T. GRCh37 (hg19) VCF-style: chr17-42979986-C-T.
Other names: c.530C>T, p.Thr177Ile (NM_001258395.2, NM_001258396.2); c.*280C>T (NM_001258397.3); c.*219C>T (NM_001258398.3, NM_001258399.2); short protein forms T177I.
Identifiers: ClinVar variation 2054345 (VCV002054345.2), dbSNP rs1219108100, ClinGen allele CA399829581.

ClinVar aggregate classification (germline): Uncertain significance (1 of 4 stars; one submission).

Conditions:
Primary ciliary dyskinesia. Also called: Ciliary dyskinesia. Identifiers: Orphanet 244, MedGen C0008780, MONDO:0016575, HP:0012265.

Allele frequency attached by ClinVar (database versions not stated): gnomAD exomes below 0.00001; gnomAD 0.00001.
gnomAD v4.1: 2 of 1,614,086 alleles (0.00012%); highest among the groups gnomAD compares: Admixed American, 0.0033%; no homozygotes.

Submission:

Labcorp Genetics (formerly Invitae), Labcorp
Classification: Uncertain significance for Primary ciliary dyskinesia. Last evaluated: 2022-07-04. Review status: criteria provided, single submitter. Criteria: Invitae Variant Classification Sherloc (09022015). Collection method: clinical testing. Allele origin: germline.
Comment: This variant is present in population databases (no rsID available, gnomAD 0.003%). In summary, the available evidence is currently insufficient to determine the role of this variant in disease. Therefore, it has been classified as a Variant of Uncertain Significance. Algorithms developed to predict the effect of missense changes on protein structure and function are either unavailable or do not agree on the potential impact of this missense change (SIFT: "Deleterious"; PolyPhen-2: "Possibly Damaging"; Align-GVGD: "Class C0"). This variant has not been reported in the literature in individuals affected with CCDC103-related conditions. This sequence change replaces threonine, which is neutral and polar, with isoleucine, which is neutral and non-polar, at codon 177 of the CCDC103 protein (p.Thr177Ile).